The following is an entry in ClinVar:

ClinVar aggregate classification (germline): Likely benign (0 of 4 stars; one submission).

Conditions:
TMPRSS5-related disorder. Also called: TMPRSS5-related condition.

Submission:

PreventionGenetics, part of Exact Sciences
Classification: Likely benign for TMPRSS5-related condition. Last evaluated: 2019-05-23. Review status: no assertion criteria provided. Collection method: clinical testing. Allele origin: germline.
Comment: This variant is classified as likely benign based on ACMG/AMP sequence variant interpretation guidelines (Richards et al. 2015 PMID: 25741868, with internal and published modifications).

NM_030770.4(TMPRSS5):c.1260G>A (p.Val420=)

Gene: TMPRSS5 (transmembrane serine protease 5; minus strand). Cytogenetic location: 11q23.2.
Variant type: single nucleotide variant.
Coding change: c.1260G>A on transcript NM_030770.4 (MANE Select); coding-DNA position 1260, G replaced by A.
Protein change: p.Val420=; no amino-acid change (valine 420 retained).
Molecular consequence: synonymous variant. On other transcripts: non-coding transcript variant (1).
Genome position (GRCh38, 1-based): chr11:113,689,864, C>T on the plus strand (G>A on the coding strand, the complement: TMPRSS5 is on the minus strand). VCF-style: chr11-113689864-C-T. GRCh37 (hg19) VCF-style: chr11-113560586-C-T.
Other names: c.921G>A, p.Val307= (NM_001288749.2); c.1128G>A, p.Val376= (NM_001288750.2); c.1233G>A, p.Val411= (NM_001288751.2); c.1053G>A, p.Val351= (NM_001288752.2).
Identifiers: ClinVar variation 3039003 (VCV003039003.2), dbSNP rs745569440, ClinGen allele CA6281559.
Genomic context (GRCh38, chr11:113,689,864, plus strand): 5'-CTTGGCGTAGACACCTGGGTGATTGGGCTCTGCGCAGCCACGCCCCCAGCTGACCACCCC[C>T]ACTAGGCGCCATGTGTCCCCATCTGGGCACACTAGGGGGCCCCCGCTATCTCCCTAAGGG-3'
Protein context (NP_110397.2, residues 410-430): VCPDGDTWRL[Val420=]GVVSWGRGCA